The following is an entry in ClinVar:

ClinVar aggregate classification (germline): Conflicting classifications of pathogenicity. Review status: criteria provided, conflicting classifications (1 of 4 stars). 4 submissions from 4 submitters: Uncertain significance (1); Likely benign (3). Last evaluated 2026-05-01.

Conditions:
Developmental and epileptic encephalopathy 94 (DEE94). Also called: Epileptic encephalopathy, childhood-onset; CHD2-Related Neurodevelopmental Disorders. Identifiers: Orphanet 1942, Orphanet 2382, MedGen C3809278, MONDO:0014150, OMIM 615369.
Inborn genetic diseases. Identifiers: MedGen C0950123, MeSH D030342.

Allele frequency attached by ClinVar (database versions not stated): gnomAD exomes 0.00001 and 0.00004; gnomAD 0.00002; TOPMed 0.00002.
gnomAD v4.1: 62 of 1,613,738 alleles (0.0038%); highest among the groups gnomAD compares: Non-Finnish European, 0.0048%; no homozygotes.

Submissions (4):

CeGaT Center for Human Genetics Tuebingen
Classification: Likely benign. Last evaluated: 2026-05-01. Review status: criteria provided, single submitter. Criteria: CeGaT Center For Human Genetics Tuebingen Variant Classification Criteria Version 2. Collection method: clinical testing. Allele origin: germline. Affected: yes. Observed: 2 variant alleles.
Comment: CHD2: BP4

Labcorp Genetics (formerly Invitae), Labcorp
Classification: Uncertain significance for Developmental and epileptic encephalopathy 94. Last evaluated: 2025-04-23. Review status: criteria provided, single submitter. Criteria: Invitae Variant Classification Sherloc (09022015). Collection method: clinical testing. Allele origin: germline.
Comment: This sequence change replaces arginine, which is basic and polar, with cysteine, which is neutral and slightly polar, at codon 190 of the CHD2 protein (p.Arg190Cys). This variant is present in population databases (rs540770153, gnomAD 0.003%). This variant has not been reported in the literature in individuals affected with CHD2-related conditions. ClinVar contains an entry for this variant (Variation ID: 384016). Invitae Evidence Modeling of protein sequence and biophysical properties (such as structural, functional, and spatial information, amino acid conservation, physicochemical variation, residue mobility, and thermodynamic stability) indicates that this missense variant is not expected to disrupt CHD2 protein function with a negative predictive value of 95%. In summary, the available evidence is currently insufficient to determine the role of this variant in disease. Therefore, it has been classified as a Variant of Uncertain Significance.

Ambry Genetics
Classification: Likely benign for Inborn genetic diseases. Last evaluated: 2024-08-16. Review status: criteria provided, single submitter. Criteria: Ambry Variant Classification Scheme 2023. Collection method: clinical testing. Allele origin: germline.

GeneDx
Classification: Likely benign. Last evaluated: 2021-03-17. Review status: criteria provided, single submitter. Criteria: GeneDx Variant Classification Process June 2021. Collection method: clinical testing. Allele origin: germline. Affected: yes.

NM_001271.4(CHD2):c.568C>T (p.Arg190Cys)

Gene: CHD2 (chromodomain helicase DNA binding protein 2; plus strand). Cytogenetic location: 15q26.1.
Variant type: single nucleotide variant.
Coding change: c.568C>T on transcript NM_001271.4 (MANE Select); coding-DNA position 568, C replaced by T.
Protein change: p.Arg190Cys; replaces arginine 190 with cysteine.
Molecular consequence: missense variant.
Genome position (GRCh38, 1-based): chr15:92,939,594, C>T. VCF-style: chr15-92939594-C-T. GRCh37 (hg19) VCF-style: chr15-93482824-C-T.
Other names: c.568C>T, p.Arg190Cys (NM_001042572.3); short protein forms R190C.
Identifiers: ClinVar variation 384016 (VCV000384016.54), dbSNP rs540770153, ClinGen allele CA16607081.